The following is an entry in ClinVar:

NM_139076.3(ABRAXAS1):c.44T>C (p.Leu15Pro)

Genes: ABRAXAS1 (abraxas 1, BRCA1 A complex subunit; minus strand), LOC129992784 (ATAC-STARR-seq lymphoblastoid silent region 15542; plus strand). Cytogenetic location: 4q21.23.
Variant type: single nucleotide variant.
Coding change: c.44T>C on transcript NM_139076.3 (MANE Select); coding-DNA position 44, T replaced by C.
Protein change: p.Leu15Pro; replaces leucine 15 with proline.
Molecular consequence: missense variant. On other transcripts: 5 prime UTR variant (1).
Genome position (GRCh38, 1-based): chr4:83,485,029, A>G on the plus strand (T>C on the coding strand, the complement: ABRAXAS1 is on the minus strand). VCF-style: chr4-83485029-A-G. GRCh37 (hg19) VCF-style: chr4-84406182-A-G.
Other names: c.-217T>C (NM_001345962.2); short protein forms L15P.
Identifiers: ClinVar variation 1800333 (VCV001800333.7), dbSNP rs1723134440, ClinGen allele CA357264003.
Genomic context (GRCh38, chr4:83,485,029, plus strand): 5'-CCCGTCCCTCGGCTCACCGTGTCCGAGTCCGTGTTGAGGTGCTGGAAAGCGAGTGCGCCG[A>G]GCACAAAGCCCGAGAGCACCGCCGACGTACTCTCCCCCTCCATGCTACCGCCGCCTCAGG-3'
Protein context (NP_620775.2, residues 5-25): STSAVLSGFV[Leu15Pro]GALAFQHLNT

ClinVar aggregate classification (germline): Uncertain significance. Review status: criteria provided, multiple submitters, no conflicts (2 of 4 stars). 2 submissions from 2 submitters: Uncertain significance (2). Last evaluated 2024-03-28.

Allele frequency attached by ClinVar (database versions not stated): TOPMed 0.00001.

Submissions (2):

Ambry Genetics
Classification: Uncertain significance. Last evaluated: 2024-03-28. Review status: criteria provided, single submitter. Criteria: Ambry Variant Classification Scheme 2023. Collection method: clinical testing. Allele origin: germline.
Comment: The p.L15P variant (also known as c.44T>C), located in coding exon 1 of the FAM175A gene, results from a T to C substitution at nucleotide position 44. The leucine at codon 15 is replaced by proline, an amino acid with similar properties. This amino acid position is conserved. In addition, the in silico prediction for this alteration is inconclusive. Since supporting evidence is limited at this time, the clinical significance of this alteration remains unclear.

Labcorp Genetics (formerly Invitae), Labcorp
Classification: Uncertain significance. Last evaluated: 2023-08-08. Review status: criteria provided, single submitter. Criteria: Invitae Variant Classification Sherloc (09022015). Collection method: clinical testing. Allele origin: germline.
Comment: In summary, the available evidence is currently insufficient to determine the role of this variant in disease. Therefore, it has been classified as a Variant of Uncertain Significance. Advanced modeling of protein sequence and biophysical properties (such as structural, functional, and spatial information, amino acid conservation, physicochemical variation, residue mobility, and thermodynamic stability) has been performed at Invitae for this missense variant, however the output from this modeling did not meet the statistical confidence thresholds required to predict the impact of this variant on ABRAXAS1 protein function. ClinVar contains an entry for this variant (Variation ID: 1800333). This variant has not been reported in the literature in individuals affected with ABRAXAS1-related conditions. This sequence change replaces leucine, which is neutral and non-polar, with proline, which is neutral and non-polar, at codon 15 of the ABRAXAS1 protein (p.Leu15Pro). This variant is not present in population databases (gnomAD no frequency).